The following is an entry in ClinVar:

ClinVar aggregate classification (germline): Likely benign. Review status: criteria provided, multiple submitters, no conflicts (2 of 4 stars). 3 submissions from 3 submitters: Likely benign (3). Last evaluated 2025-12-08.

Conditions:
Inborn genetic diseases. Identifiers: MedGen C0950123, MeSH D030342.
Charcot-Marie-Tooth disease axonal type 2C (HMSN2C). Also called: Charcot-Marie-Tooth Disease Type 2, TRPV4-Related (CMT2C); CHARCOT-MARIE-TOOTH DISEASE, AXONAL, AUTOSOMAL DOMINANT, TYPE 2C; Charcot-Marie-Tooth Neuropathy Type 2C. Identifiers: Orphanet 99937, MedGen C1853710, MONDO:0011633, OMIM 606071.

Allele frequency attached by ClinVar (database versions not stated): ExAC 0.00001; TOPMed 0.00002.
gnomAD v4.1: 19 of 1,613,780 alleles (0.0012%); highest among the groups gnomAD compares: Admixed American, 0.023%; no homozygotes.

Submissions (3):

Labcorp Genetics (formerly Invitae), Labcorp
Classification: Likely benign for Charcot-Marie-Tooth disease axonal type 2C. Last evaluated: 2025-12-08. Review status: criteria provided, single submitter. Criteria: Invitae Variant Classification Sherloc (09022015). Collection method: clinical testing. Allele origin: germline.

Ambry Genetics
Classification: Likely benign for Inborn genetic diseases. Last evaluated: 2019-07-11. Review status: criteria provided, single submitter. Criteria: Ambry Variant Classification Scheme 2023. Collection method: clinical testing. Allele origin: germline.

GeneDx
Classification: Likely benign. Last evaluated: 2017-04-19. Review status: criteria provided, single submitter. Criteria: GeneDx Variant Classification (06012015). Collection method: clinical testing. Allele origin: germline. Affected: yes.
Comment: This variant is considered likely benign or benign based on one or more of the following criteria: it is a conservative change, it occurs at a poorly conserved position in the protein, it is predicted to be benign by multiple in silico algorithms, and/or has population frequency not consistent with disease.

NM_021625.5(TRPV4):c.1434C>T (p.Tyr478=)

Gene: TRPV4 (transient receptor potential cation channel subfamily V member 4; minus strand). Cytogenetic location: 12q24.11.
Variant type: single nucleotide variant.
Coding change: c.1434C>T on transcript NM_021625.5 (MANE Select); coding-DNA position 1434, C replaced by T.
Protein change: p.Tyr478=; no amino-acid change (tyrosine 478 retained).
Molecular consequence: synonymous variant.
Genome position (GRCh38, 1-based): chr12:109,794,386, G>A on the plus strand (C>T on the coding strand, the complement: TRPV4 is on the minus strand). VCF-style: chr12-109794386-G-A. GRCh37 (hg19) VCF-style: chr12-110232191-G-A.
Other names: c.1293C>T, p.Tyr431= (NM_001177428.2); c.1332C>T, p.Tyr444= (NM_001177431.2); c.1113C>T, p.Tyr371= (NM_001177433.2); c.1254C>T, p.Tyr418= (NM_147204.3).
Identifiers: ClinVar variation 509050 (VCV000509050.11), dbSNP rs749421876, ClinGen allele CA6780239.